The following is an entry in ClinVar:

ClinVar aggregate classification (germline): Likely pathogenic (1 of 4 stars; one submission).

Conditions:
Marfan syndrome (MFS). Also called: FBN1-Related Marfan Syndrome; Marfan syndrome, classic; MARFAN SYNDROME, TYPE I; Marfan syndrome type 1; Marfan's syndrome. Identifiers: Orphanet 284963, Orphanet 558, MedGen C0024796, MONDO:0007947, OMIM 154700.

Submission:

Laboratory for Molecular Medicine, Mass General Brigham Personalized Medicine
Classification: Likely pathogenic for Marfan syndrome. Last evaluated: 2012-04-19. Review status: criteria provided, single submitter. Criteria: LMM Criteria. Collection method: clinical testing. Allele origin: germline. Observed: 1 variant allele.
Comment: The Cys100Phe variant (FBN1) has not been reported in the literature nor previou sly identified by our laboratory. A different change at the same amino acid (Cys 100Tyr) has been reported in one individual with Marfan syndrome and was absent in 100 control chromosomes (Chung 2009), suggesting that changes to this positio n may not be tolerated. In addition, computational analyses (biochemical amino a cid properties, conservation, AlignGVGD, PolyPhen2, and SIFT) suggest that the C ys100Phe variant may impact the protein. Furthermore, this variant affects a cys teine residue; cysteine substitutions are a common finding in individuals with M arfan syndrome (Schrijver 1999). In summary, this variant is likely to be pathog enic, though segregation studies and functional analyses are required to fully e stablish the pathogenicity of this variant. The clinical significance of this s equence variant should be interpreted in the context of this individual's clinic al manifestation.

Literature cited by the submitters: PubMed 19533785; PubMed 10486319.

NM_000138.5(FBN1):c.299G>T (p.Cys100Phe)

Gene: FBN1 (fibrillin 1; minus strand). Cytogenetic location: 15q21.1.
Variant type: single nucleotide variant.
Coding change: c.299G>T on transcript NM_000138.5 (MANE Select); coding-DNA position 299, G replaced by T.
Protein change: p.Cys100Phe; replaces cysteine 100 with phenylalanine.
Molecular consequence: missense variant.
Genome position (GRCh38, 1-based): chr15:48,610,775, C>A on the plus strand (G>T on the coding strand, the complement: FBN1 is on the minus strand). VCF-style: chr15-48610775-C-A. GRCh37 (hg19) VCF-style: chr15-48902972-C-A.
Other names: short protein forms C100F.
Identifiers: ClinVar variation 42322 (VCV000042322.4), dbSNP rs397515782, ClinGen allele CA013619.
Genomic context (GRCh38, chr15:48,610,775, plus strand): 5'-ATGTTAGACTTACTGGATCTGGAGCCACAGGAAGGAGCTATCTGACCAGATGGGCAAGTG[C>A]ACATATTTGGCCTCGAACAAAATCCATCCCCACAGGAATGCCGGCAAATGGCTGTGAATA-3'
Protein context (NP_000129.3, residues 90-110): GDGFCSRPNM[Cys100Phe]TCPSGQIAPS